The following is an entry in ClinVar:

ClinVar aggregate classification (germline): Benign. Review status: criteria provided, multiple submitters, no conflicts (2 of 4 stars). 3 submissions from 3 submitters: Benign (3). Last evaluated 2021-05-12.

Conditions:
Episodic ataxia type 1 (EA1). Also called: ATAXIA, EPISODIC, WITH MYOKYMIA; MYOKYMIA WITH PERIODIC ATAXIA; PAROXYSMAL ATAXIA WITH NEUROMYOTONIA, HEREDITARY; Episodic ataxia/myokymia syndrome. Identifiers: Orphanet 37612, Orphanet 972, MedGen C1719788, MONDO:0008047, OMIM 160120.

Allele frequency attached by ClinVar (database versions not stated): gnomAD exomes 0.47677; gnomAD 0.49821 and 0.49866; TOPMed 0.50696; 1000 Genomes Project 30x 0.51671; 1000 Genomes Project 0.51757.

Submissions (3):

GeneDx
Classification: Benign. Last evaluated: 2021-05-12. Review status: criteria provided, single submitter. Criteria: GeneDx Variant Classification Process June 2021. Collection method: clinical testing. Allele origin: germline. Affected: yes.

Illumina Laboratory Services, Illumina
Classification: Benign for Episodic ataxia type 1. Last evaluated: 2018-01-13. Review status: criteria provided, single submitter. Criteria: ICSL Variant Classification Criteria 13 December 2019. Collection method: clinical testing. Allele origin: germline.
Comment: This variant was observed in the ICSL laboratory as part of a predisposition screen in an ostensibly healthy population. It had not been previously curated by ICSL or reported in the Human Gene Mutation Database (HGMD: prior to June 1st, 2018), and was therefore a candidate for classification through an automated scoring system. Utilizing variant allele frequency, disease prevalence and penetrance estimates, and inheritance mode, an automated score was calculated to assess if this variant is too frequent to cause the disease. Based on the score and internal cut-off values, a variant classified as benign is not then subjected to further curation. The score for this variant resulted in a classification of benign for this disease.

Breakthrough Genomics
Classification: Benign. Review status: criteria provided, single submitter. Criteria: ACMG Guidelines, 2015. Collection method: not provided. Allele origin: germline. Inheritance: Autosomal dominant inheritance. Affected: yes.

NM_000217.3(KCNA1):c.*1681T>C

Gene: KCNA1 (potassium voltage-gated channel subfamily A member 1; plus strand). Cytogenetic location: 12p13.32.
Variant type: single nucleotide variant.
Coding change: c.*1681T>C on transcript NM_000217.3 (MANE Select); 1681 bases downstream of the stop codon, T replaced by C.
Molecular consequence: 3 prime UTR variant.
Genome position (GRCh38, 1-based): chr12:4,914,547, T>C. VCF-style: chr12-4914547-T-C. GRCh37 (hg19) VCF-style: chr12-5023713-T-C.
Identifiers: ClinVar variation 309175 (VCV000309175.9), dbSNP rs7974459, ClinGen allele CA10637703.
Genomic context (GRCh38, chr12:4,914,547, plus strand): 5'-AACTAAACCAATTGATTTAATAGTTGCTTAGTGCCTTTATCCTGTACCCACAGTGAACTG[T>C]AGAAAGTGCCTCCTTAACACAGCTGAGAAGTTAGGTAGCAAAAGTGGGGAAGGGTTGGGG-3'